The following is an entry in ClinVar:

ClinVar aggregate classification (germline): Pathogenic/Likely pathogenic. Review status: criteria provided, multiple submitters, no conflicts (2 of 4 stars). 12 submissions from 12 submitters: Pathogenic (9); Likely pathogenic (2). 1 of the submissions does not count toward it. Last evaluated 2026-07-22.

Conditions:
ATP7B-related disorder. Also called: ATP7B-related condition.
Wilson disease (WND). Also called: Wilson's disease. Identifiers: Orphanet 905, MedGen C0019202, MONDO:0010200, OMIM 277900. Disease mechanism: loss of function.

Allele frequency attached by ClinVar (database versions not stated): ExAC 0.00001; gnomAD 0.00001; gnomAD exomes 0.00001; TOPMed 0.00002.
gnomAD v4.1: 4 of 1,614,124 alleles (0.00025%); highest among the groups gnomAD compares: Non-Finnish European, 0.00025%; no homozygotes.

Submissions (12):

PreventionGenetics, part of Exact Sciences
Classification: Pathogenic for ATP7B-related condition. Last evaluated: 2026-07-22. Review status: criteria provided, single submitter. Criteria: ACMG Guidelines, 2015. Collection method: clinical testing. Allele origin: germline.
Comment: The ATP7B c.3295G>A variant is predicted to result in the amino acid substitution p.Gly1099Ser. This variant has been reported in the presumed and confirmed compound heterozygous state in multiple unrelated individuals with Wilson disease (Margarit et al. 2005. PubMed ID: 15952988; Dufernez et al. 2013. PubMed ID: 23567103; Suppl. Table 3, Ferenci et al. 2019. PubMed ID: 30232804; García-Villarreal et al. 2021. PubMed ID: 33159804; Ruiz-Lopez et al. 2022. PubMed ID: 35940888). This variant is reported in 0.00088% of alleles in individuals of European (Non-Finnish) descent in gnomAD. This variant is interpreted as pathogenic.

Myriad Genetics, Inc.
Classification: Likely pathogenic for Wilson disease. Last evaluated: 2026-04-01. Review status: criteria provided, single submitter. Criteria: Myriad Autosomal Dominant, Autosomal Recessive and X-Linked Classification Criteria (2023). Collection method: clinical testing. Allele origin: unknown.
Comment: NM_000053.3(ATP7B):c.3295G>A(G1099S) is a missense variant classified as likely pathogenic in the context of Wilson disease. G1099S has been observed in cases with relevant disease (PMID: 23567103, 15952988, 25516681, 35940888). Relevant functional assessments of this variant are not available in the literature. G1099S has been observed in referenced population frequency databases. In summary, NM_000053.3(ATP7B):c.3295G>A(G1099S) is a missense variant that has been observed more frequently in cases with the relevant disease than in healthy populations. Please note: this variant was assessed in the context of healthy population screening.

Natera, Inc.
Classification: Pathogenic for Wilson disease. Last evaluated: 2025-11-04. Review status: criteria provided, single submitter. Criteria: Natera Variant Classification Schema (03/2026). Collection method: clinical testing. Allele origin: germline.
Comment: The c.3295G>A variant in ATP7B is a missense variant predicted to cause substitution of glycine to serine at amino acid 1099. This variant is rare in the general population with a frequency below the threshold expected for the associated phenotype(s). This variant has been observed in one or more individuals affected with the associated recessive disease, as either homozygous or compound heterozygous with a second variant (PMID: 30232804, 35940888). Additionally, this variant has been observed to segregate in affected family members (PMID: 35940888). Computational prediction algorithms indicate this variant is likely to affect gene or protein function. Given the available evidence, this variant is classified as Pathogenic.

Labcorp Genetics (formerly Invitae), Labcorp
Classification: Pathogenic for Wilson disease. Last evaluated: 2025-09-27. Review status: criteria provided, single submitter. Criteria: Invitae Variant Classification Sherloc (09022015). Collection method: clinical testing. Allele origin: germline.
Comment: This sequence change replaces glycine, which is neutral and non-polar, with serine, which is neutral and polar, at codon 1099 of the ATP7B protein (p.Gly1099Ser). This variant is present in population databases (rs761632029, gnomAD 0.002%). This missense change has been observed in individual(s) with Wilson disease (PMID: 15952988, 23567103, 25516681). In at least one individual the data is consistent with being in trans (on the opposite chromosome) from a pathogenic variant. ClinVar contains an entry for this variant (Variation ID: 370820). Invitae Evidence Modeling of protein sequence and biophysical properties (such as structural, functional, and spatial information, amino acid conservation, physicochemical variation, residue mobility, and thermodynamic stability) indicates that this missense variant is expected to disrupt ATP7B protein function with a positive predictive value of 80%. For these reasons, this variant has been classified as Pathogenic.

Dasa
Classification: Pathogenic. Last evaluated: 2025-06-16. Review status: criteria provided, single submitter. Criteria: DASA Assertion Criteria. Collection method: clinical testing. Allele origin: germline.
Comment: NM_000053.4(ATP7B):c.3295G>A (p.Gly1099Ser) is a missense variant that results in the substitution of glycine with serine. The affected residue or protein region has prior evidence supporting clinical relevance. Segregation evidence has been reported in affected families. This variant has been observed in affected individuals with related phenotype in a genotype context consistent with recessive disease (PMID: 15952988; PMID: 23567103; PMID: 25516681). Functional evidence supports a deleterious effect on the gene or gene product (PMID: 15952988; PMID: 23567103; PMID: 25516681). This variant has been recurrently observed in individuals with related phenotype (PMID: 15952988; PMID: 23567103; PMID: 25516681). Multiple computational predictions support a deleterious effect on the gene or gene product. The variant is present at low frequency in population datasets. Based on the available data, this variant is classified as pathogenic.

Color Diagnostics, LLC DBA Color Health
Classification: Pathogenic for Wilson disease. Last evaluated: 2025-05-13. Review status: criteria provided, single submitter. Criteria: ACMG Guidelines, 2015. Collection method: clinical testing. Allele origin: germline.
Comment: This missense variant, c.3295G>A, replaces glycine with serine at codon 1099 of the ATP7B protein. This variant alters a conserved glycine residue in the N domain of the ATP7B protein (a.a. 1032 - 1196), a highly conserved region that is considered to be important for ATP7B protein function (PMID: 35245129ClinVar). Computational prediction suggests that this variant may have deleterious impact on protein structure and function. To our knowledge, functional studies have not been reported for this variant. This variant has been reported in many individuals affected with autosomal recessive Wilson disease (PMID: 11216666, 15952988, 17949296, 20082719, 20958917, 23567103, 25516681, 33159804, 34620762, 35940888). In several affected individuals, this variant was confirmed to be in the compound heterozygous state with a second pathogenic variant (PMID: 15952988, 23567103, 33159804, 35940888), indicating that this variant contributes to autosomal recessive disease. This variant has been identified in 2/249584 chromosomes in the general population by the Genome Aggregation Database (gnomAD). Based on the available evidence, this variant is classified as Pathogenic.

Fulgent Genetics
Classification: Pathogenic for Wilson disease. Last evaluated: 2024-04-18. Review status: criteria provided, single submitter. Criteria: ACMG Guidelines, 2015. Collection method: clinical testing. Allele origin: germline.

Baylor Genetics
Classification: Pathogenic for Wilson disease. Last evaluated: 2023-09-13. Review status: criteria provided, single submitter. Criteria: ACMG Guidelines, 2015. Collection method: clinical testing. Allele origin: unknown.

Revvity Omics, Revvity
Classification: Pathogenic for Wilson disease. Last evaluated: 2023-07-03. Review status: criteria provided, single submitter. Criteria: ACMG Guidelines, 2015. Collection method: clinical testing. Allele origin: germline.

Women's Health and Genetics/Laboratory Corporation of America, LabCorp
Classification: Pathogenic for Wilson disease. Last evaluated: 2022-11-14. Review status: criteria provided, single submitter. Criteria: LabCorp Variant Classification Summary - May 2015. Collection method: clinical testing. Allele origin: germline.
Comment: Variant summary: ATP7B c.3295G>A (p.Gly1099Ser) results in a non-conservative amino acid change in the encoded protein sequence. Five of five in-silico tools predict a damaging effect of the variant on protein function. The variant allele was found at a frequency of 8e-06 in 249584 control chromosomes. c.3295G>A has been reported in the literature as a compound heterozygous genotype in multiple individuals affected with Wilson Disease (example, Margarit_2005, Dufernez_2013, Garcia-Villarreal_2021). These data indicate that the variant is very likely to be associated with disease. To our knowledge, no experimental evidence demonstrating an impact on protein function has been reported. Four clinical diagnostic laboratories have submitted clinical-significance assessments for this variant to ClinVar after 2014 without evidence for independent evaluation. All laboratories classified the variant as pathogenic/likely pathogenic. Based on the evidence outlined above, the variant was classified as pathogenic.

ARUP Laboratories, Molecular Genetics and Genomics, ARUP Laboratories
Classification: Likely pathogenic for Wilson disease. Last evaluated: 2019-05-21. Review status: criteria provided, single submitter. Criteria: ARUP Molecular Germline Variant Investigation Process. Collection method: clinical testing. Allele origin: germline.
Comment: The ATP7B c.3295G>A; p.Gly1099Ser variant (rs761632029) is reported in the literature in the trans-heterozygous state in multiple individuals affected with Wilson disease (Bruha 2011, Dufernez 2013, Lepori 2007, Margarit 2005, Merle 2010, Weitzman 2014). This variant is reported in ClinVar (Variation ID: 370820), and is only observed on two alleles in the Genome Aggregation Database, indicating it is not a common polymorphism. The glycine at codon 1099 is highly conserved, and computational analyses (SIFT, PolyPhen-2) predict that this variant is deleterious. Based on available information, this variant is considered to be likely pathogenic. References: Bruha R et al. Long-term follow-up of Wilson disease: natural history, treatment, mutations analysis and phenotypic correlation. Liver Int. 2011 Jan;31(1):83-91. Dufernez F et al. Wilson disease in offspring of affected patients: report of four French families. Clin Res Hepatol Gastroenterol. 2013 Jun;37(3):240-5. Lepori MB et al. Twenty-four novel mutations in Wilson disease patients of predominantly Italian origin. Genet Test. 2007 Fall;11(3):328-32. Margarit E et al. Mutation analysis of Wilson disease in the Spanish population -- identification of a prevalent substitution and eight novel mutations in the ATP7B gene. Clin Genet. 2005 Jul;68(1):61-8. Merle U et al. Truncating mutations in the Wilson disease gene ATP7B are associated with very low serum ceruloplasmin oxidase activity and an early onset of Wilson disease. BMC Gastroenterol. 2010 Jan 18;10:8. Weitzman E et al. Late onset fulminant Wilson's disease: a case report and review of the literature. World J Gastroenterol. 2014 Dec 14;20(46):17656-60.

Counsyl
Classification: Likely pathogenic for Wilson disease. Last evaluated: 2016-09-30. Review status: no assertion criteria provided. Collection method: clinical testing. Allele origin: unknown. Not counted in ClinVar's aggregate classification.

Literature cited by the submitters: PubMed 15952988 (cited by 6 submitters); PubMed 23567103 (cited by 6 submitters); PubMed 25516681 (cited by 5 submitters); PubMed 35940888 (cited by 3 submitters); PubMed 30232804 (cited by Natera, Inc.); PubMed 11216666 (cited by Color Diagnostics, LLC DBA Color Health and Counsyl); PubMed 17949296 (cited by Color Diagnostics, LLC DBA Color Health and Counsyl); PubMed 20082719 (cited by Color Diagnostics, LLC DBA Color Health and Counsyl); PubMed 20958917 (cited by Color Diagnostics, LLC DBA Color Health and Counsyl); PubMed 33159804 (cited by Color Diagnostics, LLC DBA Color Health and Women's Health and Genetics/Laboratory Corporation of America, LabCorp); PubMed 34620762 (cited by Color Diagnostics, LLC DBA Color Health); PubMed 35245129 (cited by Color Diagnostics, LLC DBA Color Health); PubMed 22692182 (cited by Counsyl); PubMed 26206375 (cited by Counsyl); PubMed 24253677 (cited by Counsyl).

NM_000053.4(ATP7B):c.3295G>A (p.Gly1099Ser)

Gene: ATP7B (ATPase copper transporting beta; minus strand). Cytogenetic location: 13q14.3.
Variant type: single nucleotide variant.
Coding change: c.3295G>A on transcript NM_000053.4 (MANE Select); coding-DNA position 3295, G replaced by A.
Protein change: p.Gly1099Ser; replaces glycine 1099 with serine.
Molecular consequence: missense variant.
Genome position (GRCh38, 1-based): chr13:51,942,503, C>T on the plus strand (G>A on the coding strand, the complement: ATP7B is on the minus strand). VCF-style: chr13-51942503-C-T. GRCh37 (hg19) VCF-style: chr13-52516639-C-T.
Other names: c.2674G>A, p.Gly892Ser (NM_001005918.3); c.2962G>A, p.Gly988Ser (NM_001243182.2); c.3061G>A, p.Gly1021Ser (NM_001330578.2); c.3043G>A, p.Gly1015Ser (NM_001330579.2); short protein forms G1099S, G1015S, G1021S, G892S, G988S.
Identifiers: ClinVar variation 370820 (VCV000370820.29), dbSNP rs761632029, ClinGen allele CA6988744.